The following is an entry in ClinVar:

ClinVar aggregate classification (germline): Uncertain significance (1 of 4 stars; one submission).

Allele frequency attached by ClinVar (database versions not stated): gnomAD exomes below 0.00001.
gnomAD v4.1: 3 of 1,602,024 alleles (0.00019%); highest among the groups gnomAD compares: South Asian, 0.0011%; no homozygotes.

Submission:

Labcorp Genetics (formerly Invitae), Labcorp
Classification: Uncertain significance. Last evaluated: 2022-03-19. Review status: criteria provided, single submitter. Criteria: Invitae Variant Classification Sherloc (09022015). Collection method: clinical testing. Allele origin: germline.
Comment: In summary, the available evidence is currently insufficient to determine the role of this variant in disease. Therefore, it has been classified as a Variant of Uncertain Significance. Algorithms developed to predict the effect of missense changes on protein structure and function are either unavailable or do not agree on the potential impact of this missense change (SIFT: "Deleterious"; PolyPhen-2: "Benign"; Align-GVGD: "Class C0"). This variant has not been reported in the literature in individuals affected with PPCS-related conditions. This variant is not present in population databases (gnomAD no frequency). This sequence change replaces threonine, which is neutral and polar, with isoleucine, which is neutral and non-polar, at codon 150 of the PPCS protein (p.Thr150Ile).

NM_024664.4(PPCS):c.449C>T (p.Thr150Ile)

Genes: CCDC30 (coiled-coil domain containing 30; plus strand), PPCS (phosphopantothenoylcysteine synthetase; plus strand). Cytogenetic location: 1p34.2.
Variant type: single nucleotide variant.
Coding change: c.449C>T on transcript NM_024664.4 (MANE Select); coding-DNA position 449, C replaced by T.
Protein change: p.Thr150Ile; replaces threonine 150 with isoleucine.
Molecular consequence: missense variant. On other transcripts: 5 prime UTR variant (1), intron variant (6).
Genome position (GRCh38, 1-based): chr1:42,457,014, C>T. VCF-style: chr1-42457014-C-T. GRCh37 (hg19) VCF-style: chr1-42922685-C-T.
Other names: c.-244C>T (NM_001287510.2); c.449C>T, p.Thr150Ile (NM_001287511.2); c.-983-233C>T (NM_001355226.2); c.-327-233C>T (NM_001287507.1); c.-11-233C>T (NM_001287506.1, NM_001287508.2, NM_001077447.3 and 1 more transcripts); short protein forms T150I.
Identifiers: ClinVar variation 1909874 (VCV001909874.3), dbSNP rs892177460, ClinGen allele CA339946521.
Genomic context (GRCh38, chr1:42,457,014, plus strand): 5'-AGGCTCTGAGGAGCTACCAGGAGGCTGCGGCTGCAGGCACCTTCCTGGCAGTAGAGTTCA[C>T]CACTTTGGCGGACTATTTGCATCTGTTGCAGGCTGCGGCCCAGGCACTCAATCCGCTAGG-3'
Protein context (NP_078940.2, residues 140-160): AAGTFLAVEF[Thr150Ile]TLADYLHLLQ